The following is an entry in ClinVar:

ClinVar aggregate classification (germline): Uncertain significance (1 of 4 stars; one submission).

gnomAD v4.1: 3 of 1,208,351 alleles (0.00025%); highest among the groups gnomAD compares: Non-Finnish European, 0.00034%; no homozygotes.

Submission:

Labcorp Genetics (formerly Invitae), Labcorp
Classification: Uncertain significance. Last evaluated: 2024-07-21. Review status: criteria provided, single submitter. Criteria: Invitae Variant Classification Sherloc (09022015). Collection method: clinical testing. Allele origin: germline.
Comment: This sequence change replaces arginine, which is basic and polar, with glutamine, which is neutral and polar, at codon 243 of the OPHN1 protein (p.Arg243Gln). This variant is present in population databases (rs370987669, gnomAD 0.001%). This variant has not been reported in the literature in individuals affected with OPHN1-related conditions. An algorithm developed to predict the effect of missense changes on protein structure and function (PolyPhen-2) suggests that this variant is likely to be disruptive. In summary, the available evidence is currently insufficient to determine the role of this variant in disease. Therefore, it has been classified as a Variant of Uncertain Significance.

NM_002547.3(OPHN1):c.728G>A (p.Arg243Gln)

Gene: OPHN1 (oligophrenin 1; minus strand). Cytogenetic location: Xq12.
Variant type: single nucleotide variant.
Coding change: c.728G>A on transcript NM_002547.3 (MANE Select); coding-DNA position 728, G replaced by A.
Protein change: p.Arg243Gln; replaces arginine 243 with glutamine.
Molecular consequence: missense variant.
Genome position (GRCh38, 1-based): chrX:68,210,257, C>T on the plus strand (G>A on the coding strand, the complement: OPHN1 is on the minus strand). VCF-style: chrX-68210257-C-T. GRCh37 (hg19) VCF-style: chrX-67430099-C-T.
Other names: short protein forms R243Q.
Identifiers: ClinVar variation 3700983 (VCV003700983.2).